The following is an entry in ClinVar:

ClinVar aggregate classification (germline): Uncertain significance (1 of 4 stars; one submission).

Conditions:
Hereditary cancer-predisposing syndrome. Also called: Hereditary neoplastic syndrome; Hereditary Cancer Syndrome; Neoplastic Syndromes, Hereditary; Tumor predisposition. Identifiers: Orphanet 140162, MedGen C0027672, MeSH D009386, MONDO:0015356.

Submission:

Ambry Genetics
Classification: Uncertain significance for Hereditary cancer-predisposing syndrome. Last evaluated: 2023-06-09. Review status: criteria provided, single submitter. Criteria: Ambry Variant Classification Scheme 2023. Collection method: clinical testing. Allele origin: germline.
Comment: The p.M1344T variant (also known as c.4031T>C), located in coding exon 20 of the MET gene, results from a T to C substitution at nucleotide position 4031. The methionine at codon 1344 is replaced by threonine, an amino acid with similar properties. This amino acid position is conserved. In addition, the in silico prediction for this alteration is inconclusive. Since supporting evidence is limited at this time, the clinical significance of this alteration remains unclear.

NM_000245.4(MET):c.3977T>C (p.Met1326Thr)

Gene: MET (MET proto-oncogene, receptor tyrosine kinase; plus strand). Cytogenetic location: 7q31.2.
Variant type: single nucleotide variant.
Coding change: c.3977T>C on transcript NM_000245.4 (MANE Select); coding-DNA position 3977, T replaced by C.
Protein change: p.Met1326Thr; replaces methionine 1326 with threonine.
Molecular consequence: missense variant.
Genome position (GRCh38, 1-based): chr7:116,795,928, T>C. VCF-style: chr7-116795928-T-C. GRCh37 (hg19) VCF-style: chr7-116435982-T-C.
Other names: c.4031T>C, p.Met1344Thr (NM_001127500.3); c.2687T>C, p.Met896Thr (NM_001324402.2); short protein forms M896T, M1344T, M1326T.
Identifiers: ClinVar variation 2567713 (VCV002567713.2), dbSNP rs2117110997, ClinGen allele CA369118140.